The following is an entry in ClinVar:

NM_002474.3(MYH11):c.5677T>A (p.Ser1893Thr)

Genes: NDE1 (nudE neurodevelopment protein 1; plus strand), MYH11 (myosin heavy chain 11; minus strand). Cytogenetic location: 16p13.11.
Variant type: single nucleotide variant.
Coding change: c.5677T>A on transcript NM_002474.3 (MANE Select); coding-DNA position 5677, T replaced by A.
Protein change: p.Ser1893Thr; replaces serine 1893 with threonine.
Molecular consequence: missense variant. On other transcripts: intron variant (2).
Genome position (GRCh38, 1-based): chr16:15,715,018, A>T on the plus strand (T>A on the coding strand, the complement: MYH11 is on the minus strand). VCF-style: chr16-15715018-A-T. GRCh37 (hg19) VCF-style: chr16-15808875-A-T.
Other names: c.5698T>A, p.Ser1900Thr (NM_001040113.2, NM_001040114.2); c.5677T>A, p.Ser1893Thr (NM_022844.3); c.948-9173A>T (NM_001143979.2, NM_017668.3); short protein forms S1893T, S1900T.
Identifiers: ClinVar variation 3070978 (VCV003070978.1), dbSNP rs766060149, ClinGen allele CA7921168.

ClinVar aggregate classification (germline): Uncertain significance (1 of 4 stars; one submission).

Conditions:
Familial thoracic aortic aneurysm and aortic dissection (TAAD). Also called: Thoracic aortic aneurysms and dissections. Identifiers: Orphanet 91387, MedGen C4707243, MONDO:0019625.

Allele frequency attached by ClinVar (database versions not stated): TOPMed below 0.00001; ExAC 0.00001.
gnomAD v4.1: 3 of 1,610,040 alleles (0.00019%); highest among the groups gnomAD compares: African/African-American, 0.0014%; no homozygotes.

Submission:

All of Us Research Program, National Institutes of Health
Classification: Uncertain significance for Familial thoracic aortic aneurysm and aortic dissection. Last evaluated: 2023-05-16. Review status: criteria provided, single submitter. Criteria: ACMG Guidelines, 2015. Collection method: clinical testing. Allele origin: germline. Inheritance: Autosomal dominant inheritance. Observed: 1 variant allele, 1 heterozygote.
Comment: This missense variant replaces serine with threonine at codon 1900 of the MYH11 protein. Computational prediction suggests that this variant may not impact protein structure and function (internally defined REVEL score threshold <= 0.5, PMID: 27666373). To our knowledge, functional studies have not been reported for this variant. This variant has not been reported in individuals affected with MYH11-related disorders in the literature. This variant has been identified in 1/251272 chromosomes in the general population by the Genome Aggregation Database (gnomAD). The available evidence is insufficient to determine the role of this variant in disease conclusively. Therefore, this variant is classified as a Variant of Uncertain Significance.

This study involves interpretation of variants in research participants for the purpose of population health screening. Participant phenotype was not available at the time of variant classification. Additional details can be found in publication PMID: 35346344, PMCID: PMC8962531